The following is an entry in ClinVar:

NM_004385.5(VCAN):c.6888C>A (p.Asp2296Glu)

Genes: VCAN (versican; plus strand), VCAN-AS1 (VCAN antisense RNA 1; minus strand). Cytogenetic location: 5q14.3.
Variant type: single nucleotide variant.
Coding change: c.6888C>A on transcript NM_004385.5 (MANE Select); coding-DNA position 6888, C replaced by A.
Protein change: p.Asp2296Glu; replaces aspartic acid 2296 with glutamic acid.
Molecular consequence: missense variant. On other transcripts: intron variant (2).
Genome position (GRCh38, 1-based): chr5:83,539,891, C>A. VCF-style: chr5-83539891-C-A. GRCh37 (hg19) VCF-style: chr5-82835710-C-A.
Other names: c.3927C>A, p.Asp1309Glu (NM_001164097.2); c.4004-5646C>A (NM_001164098.2); c.1043-5646C>A (NM_001126336.3); short protein forms D1309E, D2296E.
Identifiers: ClinVar variation 1008071 (VCV001008071.8), dbSNP rs1746897632, ClinGen allele CA360313556.
Genomic context (GRCh38, chr5:83,539,891, plus strand): 5'-GGAACAAATCAATAACACATTATATCCCCACACTTCTCAAGTGGAAAGTACCTCAAGTGA[C>A]AAAATTGAAGACTTTAACAGAATGGAAAATGTGGCAAAAGAAGTTGGACCACTCGTATCT-3'
Protein context (NP_004376.2, residues 2286-2306): HTSQVESTSS[Asp2296Glu]KIEDFNRMEN

ClinVar aggregate classification (germline): Uncertain significance (1 of 4 stars; one submission).

Submission:

Labcorp Genetics (formerly Invitae), Labcorp
Classification: Uncertain significance. Last evaluated: 2022-02-02. Review status: criteria provided, single submitter. Criteria: Invitae Variant Classification Sherloc (09022015). Collection method: clinical testing. Allele origin: germline.
Comment: This sequence change replaces aspartic acid, which is acidic and polar, with glutamic acid, which is acidic and polar, at codon 2296 of the VCAN protein (p.Asp2296Glu). In summary, the available evidence is currently insufficient to determine the role of this variant in disease. Therefore, it has been classified as a Variant of Uncertain Significance. Algorithms developed to predict the effect of missense changes on protein structure and function output the following: SIFT: "Deleterious"; PolyPhen-2: "Benign"; Align-GVGD: "Class C0". The glutamic acid amino acid residue is found in multiple mammalian species, which suggests that this missense change does not adversely affect protein function. ClinVar contains an entry for this variant (Variation ID: 1008071). This variant has not been reported in the literature in individuals affected with VCAN-related conditions. This variant is not present in population databases (gnomAD no frequency).